The following is an entry in ClinVar:

ClinVar aggregate classification (germline): Pathogenic. Review status: criteria provided, single submitter (1 of 4 stars). 3 submissions from 3 submitters: Pathogenic (1). 2 of the submissions do not count toward it. Last evaluated 2023-03-01.

Conditions:
Palmoplantar keratoderma, epidermolytic, 2 (EPPK2). Also called: KERATOSIS OF GREITHER; GREITHER SYNDROME. Identifiers: MedGen C2936837, MONDO:0957303, OMIM 620411.

Allele frequency attached by ClinVar (database versions not stated): gnomAD exomes below 0.00001; TOPMed 0.00002.
gnomAD v4.1: 1 of 1,612,982 alleles (0.000062%); highest among the groups gnomAD compares: Non-Finnish European, 0.000085%; no homozygotes.

Submissions (3):

Labcorp Genetics (formerly Invitae), Labcorp
Classification: Pathogenic. Last evaluated: 2023-03-01. Review status: criteria provided, single submitter. Criteria: Invitae Variant Classification Sherloc (09022015). Collection method: clinical testing. Allele origin: germline.
Comment: This sequence change affects a donor splice site in intron 6 of the KRT1 gene. RNA analysis indicates that disruption of this splice site induces altered splicing and likely results in the gain of 18 amino acid residue(s), but is expected to preserve the integrity of the reading-frame. This variant is not present in population databases (gnomAD no frequency). Disruption of this splice site has been observed in individuals with KRT1-related conditions (PMID: 11286630; Invitae). It has also been observed to segregate with disease in related individuals. This variant is also known as G4134A. ClinVar contains an entry for this variant (Variation ID: 66619). Studies have shown that disruption of this splice site results in the activation of a cryptic splice site in exon 6 (PMID: 11286630). For these reasons, this variant has been classified as Pathogenic.

OMIM
Classification: Pathogenic for PALMOPLANTAR KERATODERMA, EPIDERMOLYTIC, 2. Last evaluated: 2001-04-01. Review status: no assertion criteria provided. Collection method: literature only. Allele origin: germline. Not counted in ClinVar's aggregate classification.

Epithelial Biology;  Institute of Medical Biology, Singapore
No classification provided. Review status: no classification provided. Collection method: not provided. Allele origin: not provided. Not counted in ClinVar's aggregate classification.

Literature cited by the submitters: PubMed 11286630 (cited by Labcorp Genetics (formerly Invitae), Labcorp and OMIM).

NM_006121.4(KRT1):c.1254+1G>A

Gene: KRT1 (keratin 1; minus strand). Cytogenetic location: 12q13.13.
Variant type: single nucleotide variant.
Coding change: c.1254+1G>A on transcript NM_006121.4 (MANE Select); the canonical splice donor site of the intron after coding-DNA position 1254, G replaced by A.
Molecular consequence: splice donor variant.
Genome position (GRCh38, 1-based): chr12:52,677,058, C>T on the plus strand (G>A on the coding strand, the complement: KRT1 is on the minus strand). VCF-style: chr12-52677058-C-T. GRCh37 (hg19) VCF-style: chr12-53070842-C-T.
Other names: IVS6, G-A, +1.
Identifiers: ClinVar variation 66619 (VCV000066619.10), dbSNP rs267607421, ClinGen allele CA217408.